The following is an entry in ClinVar:

NM_014639.4(SKIC3):c.4655C>T (p.Thr1552Ile)

Gene: SKIC3 (SKI3 subunit of superkiller complex; minus strand). Cytogenetic location: 5q15.
Variant type: single nucleotide variant.
Coding change: c.4655C>T on transcript NM_014639.4 (MANE Select); coding-DNA position 4655, C replaced by T.
Protein change: p.Thr1552Ile; replaces threonine 1552 with isoleucine.
Molecular consequence: missense variant.
Genome position (GRCh38, 1-based): chr5:95,464,647, G>A on the plus strand (C>T on the coding strand, the complement: SKIC3 is on the minus strand). VCF-style: chr5-95464647-G-A. GRCh37 (hg19) VCF-style: chr5-94800351-G-A.
Other names: short protein forms T1552I.
Identifiers: ClinVar variation 1994522 (VCV001994522.2), dbSNP rs2530661816, ClinGen allele CA360456802.

ClinVar aggregate classification (germline): Uncertain significance (1 of 4 stars; one submission).

Submission:

Labcorp Genetics (formerly Invitae), Labcorp
Classification: Uncertain significance. Last evaluated: 2022-05-15. Review status: criteria provided, single submitter. Criteria: Invitae Variant Classification Sherloc (09022015). Collection method: clinical testing. Allele origin: germline.
Comment: This sequence change replaces threonine, which is neutral and polar, with isoleucine, which is neutral and non-polar, at codon 1552 of the TTC37 protein (p.Thr1552Ile). This variant is not present in population databases (gnomAD no frequency). This variant has not been reported in the literature in individuals affected with TTC37-related conditions. Algorithms developed to predict the effect of missense changes on protein structure and function (SIFT, PolyPhen-2, Align-GVGD) all suggest that this variant is likely to be tolerated. In summary, the available evidence is currently insufficient to determine the role of this variant in disease. Therefore, it has been classified as a Variant of Uncertain Significance.